The following is an entry in ClinVar:

NM_002972.4(SBF1):c.971C>T (p.Pro324Leu)

Gene: SBF1 (SET binding factor 1; minus strand). Cytogenetic location: 22q13.33.
Variant type: single nucleotide variant.
Coding change: c.971C>T on transcript NM_002972.4 (MANE Select); coding-DNA position 971, C replaced by T.
Protein change: p.Pro324Leu; replaces proline 324 with leucine.
Molecular consequence: missense variant.
Genome position (GRCh38, 1-based): chr22:50,466,001, G>A on the plus strand (C>T on the coding strand, the complement: SBF1 is on the minus strand). VCF-style: chr22-50466001-G-A. GRCh37 (hg19) VCF-style: chr22-50904430-G-A.
Other names: c.974C>T, p.Pro325Leu (NM_001365819.1); short protein forms P325L, P324L.
Identifiers: ClinVar variation 1508737 (VCV001508737.8), dbSNP rs2067736695, ClinGen allele CA412220671.

ClinVar aggregate classification (germline): Uncertain significance (1 of 4 stars; one submission).

Allele frequency attached by ClinVar (database versions not stated): TOPMed below 0.00001.
gnomAD v4.1: 1 of 1,614,016 alleles (0.000062%); no homozygotes.

Submission:

Labcorp Genetics (formerly Invitae), Labcorp
Classification: Uncertain significance. Last evaluated: 2021-07-07. Review status: criteria provided, single submitter. Criteria: Invitae Variant Classification Sherloc (09022015). Collection method: clinical testing. Allele origin: germline.
Comment: This sequence change replaces proline with leucine at codon 324 of the SBF1 protein (p.Pro324Leu). The proline residue is highly conserved and there is a moderate physicochemical difference between proline and leucine. This variant is not present in population databases (ExAC no frequency). This variant has not been reported in the literature in individuals affected with SBF1-related conditions. Algorithms developed to predict the effect of missense changes on protein structure and function are either unavailable or do not agree on the potential impact of this missense change (SIFT: "Deleterious"; PolyPhen-2: "Probably Damaging"; Align-GVGD: "Class C0"). In summary, the available evidence is currently insufficient to determine the role of this variant in disease. Therefore, it has been classified as a Variant of Uncertain Significance.